The following is an entry in ClinVar:

NM_004333.6(BRAF):c.1315-407A>G

Gene: BRAF (B-Raf proto-oncogene, serine/threonine kinase; minus strand). Cytogenetic location: 7q34.
Variant type: single nucleotide variant.
Coding change: c.1315-407A>G on transcript NM_004333.6 (MANE Select); 407 bases into the intron before coding-DNA position 1315, A replaced by G.
Molecular consequence: intron variant.
Genome position (GRCh38, 1-based): chr7:140,782,100, T>C on the plus strand (A>G on the coding strand, the complement: BRAF is on the minus strand). VCF-style: chr7-140782100-T-C. GRCh37 (hg19) VCF-style: chr7-140481900-T-C.
Other names: c.1315-407A>G (NM_001378474.1, NM_001378468.1, NM_001354609.2); c.1213-407A>G (NM_001378470.1); c.1051-407A>G (NM_001378475.1); c.1204-407A>G (NM_001378471.1); c.1435-407A>G (NM_001374258.1, NM_001374244.1); c.1324-407A>G (NM_001378467.1); c.1159-407A>G (NM_001378472.1, NM_001378473.1); c.1249-407A>G (NM_001378469.1).
Identifiers: ClinVar variation 2658028 (VCV002658028.24), dbSNP rs539987061, ClinGen allele CA168091028.

ClinVar aggregate classification (germline): Likely benign (1 of 4 stars; one submission).

Allele frequency attached by ClinVar (database versions not stated): gnomAD 0.00010; 1000 Genomes Project 0.00080; 1000 Genomes Project 30x 0.00094.
gnomAD v4.1: 16 of 152,226 alleles (0.011%); highest among the groups gnomAD compares: South Asian, 0.15%; no homozygotes.

Submission:

CeGaT Center for Human Genetics Tuebingen
Classification: Likely benign. Last evaluated: 2026-03-01. Review status: criteria provided, single submitter. Criteria: CeGaT Center For Human Genetics Tuebingen Variant Classification Criteria Version 2. Collection method: clinical testing. Allele origin: germline. Affected: yes. Observed: 4 variant alleles.
Comment: BRAF: BS1